The following is an entry in ClinVar:

NM_001008537.3(NEXMIF):c.3314C>A (p.Pro1105Gln)

Gene: NEXMIF (neurite extension and migration factor; minus strand). Cytogenetic location: Xq13.3.
Variant type: single nucleotide variant.
Coding change: c.3314C>A on transcript NM_001008537.3 (MANE Select); coding-DNA position 3314, C replaced by A.
Protein change: p.Pro1105Gln; replaces proline 1105 with glutamine.
Molecular consequence: missense variant.
Genome position (GRCh38, 1-based): chrX:74,741,243, G>T on the plus strand (C>A on the coding strand, the complement: NEXMIF is on the minus strand). VCF-style: chrX-74741243-G-T. GRCh37 (hg19) VCF-style: chrX-73961078-G-T.
Other names: short protein forms P1105Q.
Identifiers: ClinVar variation 4712409 (VCV004712409.1).

ClinVar aggregate classification (germline): Uncertain significance (1 of 4 stars; one submission).

Submission:

Labcorp Genetics (formerly Invitae), Labcorp
Classification: Uncertain significance. Last evaluated: 2025-02-06. Review status: criteria provided, single submitter. Criteria: Invitae Variant Classification Sherloc (09022015). Collection method: clinical testing. Allele origin: germline.
Comment: This sequence change replaces proline, which is neutral and non-polar, with glutamine, which is neutral and polar, at codon 1105 of the NEXMIF protein (p.Pro1105Gln). This variant is not present in population databases (gnomAD no frequency). This variant has not been reported in the literature in individuals affected with NEXMIF-related conditions. An algorithm developed to predict the effect of missense changes on protein structure and function (PolyPhen-2) suggests that this variant is likely to be tolerated. In summary, the available evidence is currently insufficient to determine the role of this variant in disease. Therefore, it has been classified as a Variant of Uncertain Significance.